The following is an entry in ClinVar:

NM_003126.4(SPTA1):c.524G>A (p.Gly175Glu)

Gene: SPTA1 (spectrin alpha, erythrocytic 1; minus strand). Cytogenetic location: 1q23.1.
Variant type: single nucleotide variant.
Coding change: c.524G>A on transcript NM_003126.4 (MANE Select); coding-DNA position 524, G replaced by A.
Protein change: p.Gly175Glu; replaces glycine 175 with glutamic acid.
Molecular consequence: missense variant.
Genome position (GRCh38, 1-based): chr1:158,681,534, C>T on the plus strand (G>A on the coding strand, the complement: SPTA1 is on the minus strand). VCF-style: chr1-158681534-C-T. GRCh37 (hg19) VCF-style: chr1-158651324-C-T.
Other names: short protein forms G175E.
Identifiers: ClinVar variation 3357457 (VCV003357457.1).
Genomic context (GRCh38, chr1:158,681,534, plus strand): 5'-CCTGGGACAGAGGAGTGGGAGGCCCTGTGTGATTGCTGTTTTAAGTTCGATACCTTGTCT[C>T]CAATCCACTCTAAGATGTCAGCACACTCCTGTACATACTGCTGGAACTTCAGGGCCCGCA-3'
Protein context (NP_003117.2, residues 165-185): QECADILEWI[Gly175Glu]DKEAIATSVE

ClinVar aggregate classification (germline): Uncertain significance (0 of 4 stars; one submission).

Conditions:
SPTA1-related disorder. Also called: SPTA1-related condition; SPTA1-related disorders.

gnomAD v4.1: 15 of 1,613,558 alleles (0.00093%); highest among the groups gnomAD compares: Non-Finnish European, 0.0011%; no homozygotes.

Submission:

PreventionGenetics, part of Exact Sciences
Classification: Uncertain significance for SPTA1-related condition. Last evaluated: 2024-08-28. Review status: no assertion criteria provided. Collection method: clinical testing. Allele origin: germline.
Comment: The SPTA1 c.524G>A variant is predicted to result in the amino acid substitution p.Gly175Glu. To our knowledge, this variant has not been reported in the literature. This variant is reported in 0.0065% of alleles in individuals of European (Non-Finnish) descent in gnomAD. At this time, the clinical significance of this variant is uncertain due to the absence of conclusive functional and genetic evidence.